The following is an entry in ClinVar:

ClinVar aggregate classification (germline): Uncertain significance. Review status: criteria provided, multiple submitters, no conflicts (2 of 4 stars). 5 submissions from 5 submitters: Uncertain significance (4). 1 of the submissions does not count toward it. Last evaluated 2025-01-18.

Conditions:
Fanconi anemia complementation group A (FANCA). Also called: Fanconi anemia, group A; FANCA-Related Fanconi Anemia. Identifiers: Orphanet 84, MedGen C3469521, MONDO:0009215, OMIM 227650.
Fanconi anemia (FA). Also called: Fanconi's anemia. Identifiers: Orphanet 84, MedGen C0015625, MeSH D005199, MONDO:0019391.

Allele frequency attached by ClinVar (database versions not stated): gnomAD 0.00001; gnomAD exomes 0.00001 and 0.00002; TOPMed 0.00002; ESP Exome Variant Server 0.00015.

Submissions (5):

Labcorp Genetics (formerly Invitae), Labcorp
Classification: Uncertain significance for Fanconi anemia. Last evaluated: 2025-01-18. Review status: criteria provided, single submitter. Criteria: Invitae Variant Classification Sherloc (09022015). Collection method: clinical testing. Allele origin: germline.
Comment: This sequence change replaces arginine, which is basic and polar, with histidine, which is basic and polar, at codon 163 of the FANCA protein (p.Arg163His). This variant is present in population databases (rs375648811, gnomAD 0.007%). This missense change has been observed in individual(s) with head and neck cancer (PMID: 28678401). ClinVar contains an entry for this variant (Variation ID: 966659). Invitae Evidence Modeling of protein sequence and biophysical properties (such as structural, functional, and spatial information, amino acid conservation, physicochemical variation, residue mobility, and thermodynamic stability) has been performed for this missense variant. However, the output from this modeling did not meet the statistical confidence thresholds required to predict the impact of this variant on FANCA protein function. In summary, the available evidence is currently insufficient to determine the role of this variant in disease. Therefore, it has been classified as a Variant of Uncertain Significance.

Quest Diagnostics Nichols Institute San Juan Capistrano
Classification: Uncertain significance. Last evaluated: 2023-06-20. Review status: criteria provided, single submitter. Criteria: Quest Diagnostics criteria. Collection method: clinical testing. Allele origin: unknown.
Comment: In the published literature, this variant has been reported in a cohort of individuals affected with head and neck carcinoma (PMID: 28678401 (2017)). The frequency of this variant in the general population, 0.000008 (2/251484 chromosomes (Genome Aggregation Database)), is uninformative in the assessment of its pathogenicity. Analysis of this variant using bioinformatics tools for the prediction of the effect of amino acid changes on protein structure and function yielded conflicting predictions that this variant is benign or damaging. Based on the available information, we are unable to determine the clinical significance of this variant.

Blueprint Genetics
Classification: Uncertain significance. Last evaluated: 2022-03-24. Review status: criteria provided, single submitter. Criteria: ACMG Guidelines, 2015. Collection method: clinical testing. Allele origin: germline.

Fulgent Genetics
Classification: Uncertain significance for Fanconi anemia complementation group A. Last evaluated: 2021-12-13. Review status: criteria provided, single submitter. Criteria: ACMG Guidelines, 2015. Collection method: clinical testing. Allele origin: unknown.

Natera, Inc.
Classification: Uncertain significance for Fanconi anemia. Last evaluated: 2020-03-20. Review status: no assertion criteria provided. Collection method: clinical testing. Allele origin: germline. Not counted in ClinVar's aggregate classification.

Literature cited by the submitters: PubMed 28678401 (cited by Labcorp Genetics (formerly Invitae), Labcorp and Quest Diagnostics Nichols Institute San Juan Capistrano); PubMed 34864095 (cited by Quest Diagnostics Nichols Institute San Juan Capistrano).

NM_000135.4(FANCA):c.488G>A (p.Arg163His)

Gene: FANCA (FA complementation group A; minus strand). Cytogenetic location: 16q24.3.
Variant type: single nucleotide variant.
Coding change: c.488G>A on transcript NM_000135.4 (MANE Select); coding-DNA position 488, G replaced by A.
Protein change: p.Arg163His; replaces arginine 163 with histidine.
Molecular consequence: missense variant. On other transcripts: intron variant (1).
Genome position (GRCh38, 1-based): chr16:89,810,741, C>T on the plus strand (G>A on the coding strand, the complement: FANCA is on the minus strand). VCF-style: chr16-89810741-C-T. GRCh37 (hg19) VCF-style: chr16-89877149-C-T.
Other names: c.488G>A, p.Arg163His (NM_001018112.3, NM_001286167.3); c.426+188G>A (NM_001351830.2); c.488G>A (NM_000135.3); short protein forms R163H.
Identifiers: ClinVar variation 966659 (VCV000966659.10), dbSNP rs375648811, ClinGen allele CA286608148.
Genomic context (GRCh38, chr16:89,810,741, plus strand): 5'-AGTCAGATTTGCAATCTCAAATTTACCTGTATTTTCCATAATTCTTGACAGAAGGAAAGA[C>T]GGGAGAACATACTGTGTGCCAATAAATACTGAGCAAACTCTAACAGGGAAGACAGCTTCT-3'
Protein context (NP_000126.2, residues 153-173): QYLLAHSMFS[Arg163His]LSFCQELWKI